The following is an entry in ClinVar:

NM_000327.4(ROM1):c.520T>G (p.Tyr174Asp)

Gene: ROM1 (retinal outer segment membrane protein 1; plus strand). Cytogenetic location: 11q12.3.
Variant type: single nucleotide variant.
Coding change: c.520T>G on transcript NM_000327.4 (MANE Select); coding-DNA position 520, T replaced by G.
Protein change: p.Tyr174Asp; replaces tyrosine 174 with aspartic acid.
Molecular consequence: missense variant.
Genome position (GRCh38, 1-based): chr11:62,613,801, T>G. VCF-style: chr11-62613801-T-G. GRCh37 (hg19) VCF-style: chr11-62381273-T-G.
Other names: short protein forms Y174D.
Identifiers: ClinVar variation 3005430 (VCV003005430.3), dbSNP rs2496223478, ClinGen allele CA380970233.

ClinVar aggregate classification (germline): Uncertain significance (1 of 4 stars; one submission).

Submission:

Labcorp Genetics (formerly Invitae), Labcorp
Classification: Uncertain significance. Last evaluated: 2023-07-10. Review status: criteria provided, single submitter. Criteria: Invitae Variant Classification Sherloc (09022015). Collection method: clinical testing. Allele origin: germline.
Comment: In summary, the available evidence is currently insufficient to determine the role of this variant in disease. Therefore, it has been classified as a Variant of Uncertain Significance. Advanced modeling of protein sequence and biophysical properties (such as structural, functional, and spatial information, amino acid conservation, physicochemical variation, residue mobility, and thermodynamic stability) performed at Invitae indicates that this missense variant is not expected to disrupt ROM1 protein function. This variant has not been reported in the literature in individuals affected with ROM1-related conditions. This variant is not present in population databases (gnomAD no frequency). This sequence change replaces tyrosine, which is neutral and polar, with aspartic acid, which is acidic and polar, at codon 174 of the ROM1 protein (p.Tyr174Asp).